The following is an entry in ClinVar:

ClinVar aggregate classification (germline): Conflicting classifications of pathogenicity. Review status: criteria provided, conflicting classifications (1 of 4 stars). 2 submissions from 2 submitters: Uncertain significance (1); Likely benign (1). Last evaluated 2021-08-25.

Conditions:
Tuberous sclerosis 1 (TSC1). Identifiers: Orphanet 805, MedGen C1854465, MONDO:0008612, OMIM 191100.
Hereditary cancer-predisposing syndrome. Also called: Neoplastic Syndromes, Hereditary; Hereditary neoplastic syndrome; Tumor predisposition; Hereditary Cancer Syndrome. Identifiers: Orphanet 140162, MedGen C0027672, MeSH D009386, MONDO:0015356.

Submissions (2):

Ambry Genetics
Classification: Likely benign for Hereditary cancer-predisposing syndrome. Last evaluated: 2021-08-25. Review status: criteria provided, single submitter. Criteria: Ambry Variant Classification Scheme 2023. Collection method: clinical testing. Allele origin: germline.

Labcorp Genetics (formerly Invitae), Labcorp
Classification: Uncertain significance for Tuberous sclerosis 1. Last evaluated: 2019-03-13. Review status: criteria provided, single submitter. Criteria: Invitae Variant Classification Sherloc (09022015). Collection method: clinical testing. Allele origin: germline.
Comment: In summary, the available evidence is currently insufficient to determine the role of this variant in disease. Therefore, it has been classified as a Variant of Uncertain Significance. Algorithms developed to predict the effect of missense changes on protein structure and function output the following: SIFT: "Tolerated"; PolyPhen-2: "Benign"; Align-GVGD: "Class C0". The valine amino acid residue is found in multiple mammalian species, suggesting that this missense change does not adversely affect protein function. These predictions have not been confirmed by published functional studies and their clinical significance is uncertain. This variant has not been reported in the literature in individuals with TSC1-related conditions. This variant is not present in population databases (ExAC no frequency). This sequence change replaces methionine with valine at codon 1109 of the TSC1 protein (p.Met1109Val). The methionine residue is weakly conserved and there is a small physicochemical difference between methionine and valine.

NM_000368.5(TSC1):c.3325A>G (p.Met1109Val)

Gene: TSC1 (TSC complex subunit 1; minus strand). Cytogenetic location: 9q34.13.
Variant type: single nucleotide variant.
Coding change: c.3325A>G on transcript NM_000368.5 (MANE Select); coding-DNA position 3325, A replaced by G.
Protein change: p.Met1109Val; replaces methionine 1109 with valine.
Molecular consequence: missense variant.
Genome position (GRCh38, 1-based): chr9:132,896,405, T>C on the plus strand (A>G on the coding strand, the complement: TSC1 is on the minus strand). VCF-style: chr9-132896405-T-C. GRCh37 (hg19) VCF-style: chr9-135771792-T-C.
Other names: c.3322A>G, p.Met1108Val (NM_001162426.2); c.3172A>G, p.Met1058Val (NM_001162427.2); c.2962A>G, p.Met988Val (NM_001362177.2); short protein forms M1108V, M1058V, M988V, M1109V.
Identifiers: ClinVar variation 843312 (VCV000843312.10), dbSNP rs1845043842, ClinGen allele CA375366614.